The following is an entry in ClinVar:

ClinVar aggregate classification (germline): Uncertain significance. Review status: criteria provided, multiple submitters, no conflicts (2 of 4 stars). 2 submissions from 2 submitters: Uncertain significance (2). Last evaluated 2024-02-24.

Conditions:
Glycogen storage disease, type II (IOPD). Also called: CARDIOMEGALIA GLYCOGENICA DIFFUSA; GLYCOGENOSIS, GENERALIZED, CARDIAC FORM; GSD II; Glycogen storage disease type 2; Acid maltase deficiency disease; Aglucosidase alfa. Identifiers: Orphanet 365, MedGen C0017921, MONDO:0009290, OMIM 232300.

Allele frequency attached by ClinVar (database versions not stated): gnomAD exomes below 0.00001.

Submissions (2):

Labcorp Genetics (formerly Invitae), Labcorp
Classification: Uncertain significance for Glycogen storage disease, type II. Last evaluated: 2024-02-24. Review status: criteria provided, single submitter. Criteria: Invitae Variant Classification Sherloc (09022015). Collection method: clinical testing. Allele origin: germline.
Comment: This sequence change replaces proline, which is neutral and non-polar, with serine, which is neutral and polar, at codon 253 of the GAA protein (p.Pro253Ser). This variant is not present in population databases (gnomAD no frequency). This variant has not been reported in the literature in individuals affected with GAA-related conditions. ClinVar contains an entry for this variant (Variation ID: 1310302). Advanced modeling of protein sequence and biophysical properties (such as structural, functional, and spatial information, amino acid conservation, physicochemical variation, residue mobility, and thermodynamic stability) performed at Invitae indicates that this missense variant is expected to disrupt GAA protein function with a positive predictive value of 95%. In summary, the available evidence is currently insufficient to determine the role of this variant in disease. Therefore, it has been classified as a Variant of Uncertain Significance.

GeneDx
Classification: Uncertain significance. Last evaluated: 2019-11-08. Review status: criteria provided, single submitter. Criteria: GeneDx Variant Classification Process June 2021. Collection method: clinical testing. Allele origin: germline. Affected: yes.
Comment: Not observed in large population cohorts (Lek et al., 2016); In silico analysis, which includes protein predictors and evolutionary conservation, supports a deleterious effect; Has not been previously published as pathogenic or benign to our knowledge

NM_000152.5(GAA):c.757C>T (p.Pro253Ser)

Gene: GAA (alpha glucosidase; plus strand). Cytogenetic location: 17q25.3.
Variant type: single nucleotide variant.
Coding change: c.757C>T on transcript NM_000152.5 (MANE Select); coding-DNA position 757, C replaced by T.
Protein change: p.Pro253Ser; replaces proline 253 with serine.
Molecular consequence: missense variant.
Genome position (GRCh38, 1-based): chr17:80,107,621, C>T. VCF-style: chr17-80107621-C-T. GRCh37 (hg19) VCF-style: chr17-78081420-C-T.
Other names: c.757C>T, p.Pro253Ser (NM_001079803.3, NM_001079804.3); short protein forms P253S.
Identifiers: ClinVar variation 1310302 (VCV001310302.8), dbSNP rs2143846362, ClinGen allele CA401363337.